The following is an entry in ClinVar:

ClinVar aggregate classification (germline): Uncertain significance (1 of 4 stars; one submission).

Conditions:
Familial isolated arrhythmogenic right ventricular dysplasia. Identifiers: Orphanet 217656, MedGen C4274968, MONDO:0016342.

Submission:

All of Us Research Program, National Institutes of Health
Classification: Uncertain significance for Familial isolated arrhythmogenic right ventricular dysplasia. Last evaluated: 2023-05-30. Review status: criteria provided, single submitter. Criteria: ACMG Guidelines, 2015. Collection method: clinical testing. Allele origin: germline. Inheritance: Autosomal dominant inheritance. Observed: 1 variant allele, 1 heterozygote.
Comment: This missense variant replaces serine with threonine at codon 502 of the DSC2 protein. Computational prediction suggests that this variant may not impact protein structure and function (internally defined REVEL score threshold <= 0.5, PMID: 27666373). To our knowledge, functional studies have not been reported for this variant. This variant has not been reported in individuals affected with DSC2-related disorders in the literature. This variant has not been identified in the general population by the Genome Aggregation Database (gnomAD). The available evidence is insufficient to determine the role of this variant in disease conclusively. Therefore, this variant is classified as a Variant of Uncertain Significance.

This study involves interpretation of variants in research participants for the purpose of population health screening. Participant phenotype was not available at the time of variant classification. Additional details can be found in publication PMID: 35346344, PMCID: PMC8962531

NM_024422.6(DSC2):c.1505G>C (p.Ser502Thr)

Gene: DSC2 (desmocollin 2; minus strand). Cytogenetic location: 18q12.1.
Variant type: single nucleotide variant.
Coding change: c.1505G>C on transcript NM_024422.6 (MANE Select); coding-DNA position 1505, G replaced by C.
Protein change: p.Ser502Thr; replaces serine 502 with threonine.
Molecular consequence: missense variant.
Genome position (GRCh38, 1-based): chr18:31,080,111, C>G on the plus strand (G>C on the coding strand, the complement: DSC2 is on the minus strand). VCF-style: chr18-31080111-C-G. GRCh37 (hg19) VCF-style: chr18-28660077-C-G.
Other names: c.1076G>C, p.Ser359Thr (NM_001406506.1, NM_001406507.1); c.1505G>C, p.Ser502Thr (NM_004949.5); short protein forms S359T, S502T.
Identifiers: ClinVar variation 3071367 (VCV003071367.1), dbSNP rs1385184885, ClinGen allele CA402108350.
Genomic context (GRCh38, chr18:31,080,111, plus strand): 5'-CAAAATAAGCTATATATTTTAAAACTAAAATAGAATGGTAAGTACCTTATGCCACTGCTA[C>G]TTCTTGTTTCTGGGTCATATGCTTTATATCCATTGCTTGTTGTTCCCACTTCTGCATTTT-3'
Protein context (NP_077740.1, residues 492-512): GYKAYDPETR[Ser502Thr]SSGIRYKKLT